The following is an entry in ClinVar:

NM_007194.4(CHEK2):c.275_287delinsTCAGG (p.Pro92fs)

Gene: CHEK2 (checkpoint kinase 2; minus strand). Cytogenetic location: 22q12.1.
Variant type: Indel.
Coding change: c.275_287delinsTCAGG on transcript NM_007194.4 (MANE Select); coding-DNA positions 275 to 287, CCTGGGCTCGATT replaced by TCAGG.
Protein change: p.Pro92fs; shifts the reading frame from proline 92.
Molecular consequence: frameshift variant.
Genome position (GRCh38, 1-based): chr22:28,734,435-28,734,447, AATCGAGCCCAGG replaced by CCTGA on the plus strand (CCTGGGCTCGATT replaced by TCAGG on the coding strand, the reverse complement: CHEK2 is on the minus strand). VCF-style: chr22-28734435-AATCGAGCCCAGG-CCTGA. GRCh37 (hg19) VCF-style: chr22-29130423-AATCGAGCCCAGG-CCTGA.
Other names: c.275_287delCCTGGGCTCGATTinsTCAGG, p.Pro92Leufs (NM_001005735.3, NM_001349956.3, NM_145862.3); c.-503_-491delCCTGGGCTCGATTinsTCAGG (NM_001257387.3); short protein forms P92fs.
Identifiers: ClinVar variation 2583418 (VCV002583418.2), dbSNP rs2518127277, ClinGen allele CA2582342748.

ClinVar aggregate classification (germline): Pathogenic (1 of 4 stars; one submission).

Conditions:
Familial cancer of breast. Also called: Hereditary breast cancer; BREAST CANCER, FAMILIAL; hereditary breast carcinoma. Identifiers: Orphanet 227535, MedGen C0346153, MONDO:0016419, OMIM 114480. Disease mechanism: loss of function.

Submission:

Myriad Genetics, Inc.
Classification: Pathogenic for Familial cancer of breast. Last evaluated: 2023-06-23. Review status: criteria provided, single submitter. Criteria: Myriad Autosomal Dominant, Autosomal Recessive and X-Linked Classification Criteria (2023). Collection method: clinical testing. Allele origin: unknown.
Comment: This variant is considered pathogenic. This variant creates a frameshift predicted to result in premature protein truncation.